The following is an entry in ClinVar:

ClinVar aggregate classification (germline): Benign (1 of 4 stars; one submission).

Allele frequency attached by ClinVar (database versions not stated): 1000 Genomes Project 0.00260; ExAC 0.00996.
gnomAD v4.1: 4,673 of 583,602 alleles (0.8%); highest among the groups gnomAD compares: South Asian, 1.2%; 32 homozygotes.

Submission:

CeGaT Center for Human Genetics Tuebingen
Classification: Benign. Last evaluated: 2023-05-01. Review status: criteria provided, single submitter. Criteria: CeGaT Center For Human Genetics Tuebingen Variant Classification Criteria Version 2. Collection method: clinical testing. Allele origin: germline. Affected: yes. Observed: 4 variant alleles.
Comment: NDUFS7: BS1, BS2

NM_024407.5(NDUFS7):c.228+343G>A

Gene: NDUFS7 (NADH:ubiquinone oxidoreductase core subunit S7; plus strand). Cytogenetic location: 19p13.3.
Variant type: single nucleotide variant.
Coding change: c.228+343G>A on transcript NM_024407.5 (MANE Select); 343 bases into the intron after coding-DNA position 228, G replaced by A.
Molecular consequence: intron variant.
Genome position (GRCh38, 1-based): chr19:1,389,281, G>A. VCF-style: chr19-1389281-G-A. GRCh37 (hg19) VCF-style: chr19-1389280-G-A.
Other names: c.228+343G>A (NM_001363602.2).
Identifiers: ClinVar variation 1701348 (VCV001701348.31), dbSNP rs576885917, ClinGen allele CA9043249.